The following is an entry in ClinVar:

NM_000256.3(MYBPC3):c.1624G>C (p.Glu542Gln)

Gene: MYBPC3 (myosin binding protein C3; minus strand). Cytogenetic location: 11p11.2.
Variant type: single nucleotide variant.
Coding change: c.1624G>C on transcript NM_000256.3 (MANE Select); coding-DNA position 1624, G replaced by C.
Protein change: p.Glu542Gln; replaces glutamic acid 542 with glutamine.
Molecular consequence: missense variant.
Genome position (GRCh38, 1-based): chr11:47,342,578, C>G on the plus strand (G>C on the coding strand, the complement: MYBPC3 is on the minus strand). VCF-style: chr11-47342578-C-G. GRCh37 (hg19) VCF-style: chr11-47364129-C-G.
Other names: p.E542Q:GAA>CAA; short protein forms E542Q.
Identifiers: ClinVar variation 8608 (VCV000008608.69), dbSNP rs121909374, ClinGen allele CA010806.

ClinVar aggregate classification (germline): Pathogenic/Likely pathogenic. Review status: criteria provided, multiple submitters, no conflicts (2 of 4 stars). 41 submissions from 38 submitters: Pathogenic (33); Likely pathogenic (1). 7 of the submissions do not count toward it. Last evaluated 2026-07-25.

Conditions:
Autosomal dominant MYBPC3-related disorders.
MYBPC3-related disorder. Also called: MYBPC3-related disorders; MYBPC3-related condition; MYBPC3-related disease.
Cardiovascular phenotype. Identifiers: MedGen CN230736.
Left ventricular noncompaction 10 (LVNC10). Identifiers: Orphanet 154, Orphanet 54260, MedGen C3715165, MONDO:0014163, OMIM 615396.
Hypertrophic cardiomyopathy 4. Also called: Familial hypertrophic cardiomyopathy 4. Identifiers: MedGen C1861862, MONDO:0007268, OMIM 115197.
Cardiomyopathy (CMYO). Also called: Cardiomyopathies. Identifiers: Orphanet 167848, MedGen C0878544, MONDO:0004994, HP:0001638. Inheritance: Various modes of inheritance.
Hypertrophic cardiomyopathy 1 (CMH1). Also called: MYH7-Related Familial Hypertrophic Cardiomyopathy; Familial hypertrophic cardiomyopathy 1. Identifiers: MedGen C3495498, MONDO:0008647, OMIM 192600.
Primary familial hypertrophic cardiomyopathy (HCM). Identifiers: Orphanet 99739, MedGen C0949658, MeSH D024741, MONDO:0024573. Inheritance: Various modes of inheritance.
Hypertrophic cardiomyopathy. Also called: HYPERTROPHIC MYOCARDIOPATHY. Identifiers: Orphanet 217569, MedGen C0007194, MeSH D002312, MONDO:0005045, HP:0001639.

Allele frequency attached by ClinVar (database versions not stated): gnomAD 0.00006; ExAC 0.00002; gnomAD exomes 0.00004 and 0.00001; TOPMed 0.00006.
gnomAD v4.1: 67 of 1,594,908 alleles (0.0042%); highest among the groups gnomAD compares: African/African-American, 0.0053%; no homozygotes.

Submissions 1 to 7 of 41:

PreventionGenetics, part of Exact Sciences
Classification: Pathogenic for MYBPC3-related condition. Last evaluated: 2026-07-25. Review status: criteria provided, single submitter. Criteria: ACMG Guidelines, 2015. Collection method: clinical testing. Allele origin: germline.
Comment: The MYBPC3 c.1624G>C variant is predicted to result in the amino acid substitution p.Glu542Gln. This variant has been reported in the heterozygous state in individuals with hypertrophic cardiomyopathy (HCM) and shown to segregate with disease in family members (see, for example: Carrier et al. 1997. PubMed ID: 9048664; Olivotto et al. 2008. PubMed ID: 18533079; Helms et al. 2014. PubMed ID: 25031304). It has also been reported in the compound heterozygous state in individuals with severe, early-onset HCM (Rafael et al. 2017. PubMed ID: 28538763; Saltzman et al. 2010. PubMed ID: 20378854). This variant is located at the final nucleotide position of exon 17. Experimental studies have demonstrated this variant leads to exon 17 skipping and premature protein termination (see, for example: Carrier et al. 1997. PubMed ID: 9048664; Helms et al. 2014. PubMed ID: 25031304; Singer et al. 2019. PubMed ID: 30645170). This variant is present in 0.0042% of alleles in individuals of (non-Finnish) European descent in gnomAD and is interpreted as pathogenic in ClinVar (Variation ID: 8608). Taken together, this variant is interpreted as pathogenic.

Labcorp Genetics (formerly Invitae), Labcorp
Classification: Pathogenic for Hypertrophic cardiomyopathy. Last evaluated: 2026-01-27. Review status: criteria provided, single submitter. Criteria: Invitae Variant Classification Sherloc (09022015). Collection method: clinical testing. Allele origin: germline.
Comment: This sequence change replaces glutamic acid, which is acidic and polar, with glutamine, which is neutral and polar, at codon 542 of the MYBPC3 protein (p.Glu542Gln). This variant also falls at the last nucleotide of exon 17, which is part of the consensus splice site for this exon. This variant is present in population databases (rs121909374, gnomAD 0.003%). This missense change has been observed in individuals with hypertrophic cardiomyopathy (HCM) (PMID: 9048664, 9631872, 15519027, 16199542, 18533079, 20433692, 25031304, 27532257). It has also been observed to segregate with disease in related individuals. This variant is also known as c.1679G>C. ClinVar contains an entry for this variant (Variation ID: 8608). An algorithm developed to predict the effect of missense changes on protein structure and function (PolyPhen-2) suggests that this variant is likely to be disruptive. Variants that disrupt the consensus splice site are a relatively common cause of aberrant splicing (PMID: 17576681, 9536098). Studies have shown that this missense change alters mRNA splicing and is expected to lead to the loss of protein expression (PMID: 9048664, 22057632, 25031304). For these reasons, this variant has been classified as Pathogenic.

Variantyx, Inc.
Classification: Pathogenic for Autosomal dominant MYBPC3-related disorders. Last evaluated: 2026-01-05. Review status: criteria provided, single submitter. Criteria: Variantyx Assertion Criteria 2022. Collection method: clinical testing. Allele origin: germline. Inheritance: Autosomal dominant inheritance.
Comment: This is a nonsynonymous variant in the MYBPC3 gene (OMIM: 600958). Pathogenic variants in this gene have been associated with autosomal dominant MYBPC3-related disorders. This variant results in abnormal splicing that is expected to lead to loss of function, which is a known disease mechanism for MYBPC3 in these disorders(PMID: 22057632, 25031304, 19574547) (PVS1). This variant has been reported in several unrelated affected individuals (PMID: 27532257, 37652022, 22057632) (PS4). It has a 0.0053% maximum allele frequency in non-founder control populations (PM2). Computational algorithms produce conflicting evidence regarding the predicted functional impact of this variant (REVEL score: 0.329). Based on the current evidence, this variant is classified as pathogenic for autosomal dominant MYBPC3-related disorders.

Dasa
Classification: Pathogenic. Last evaluated: 2025-10-30. Review status: criteria provided, single submitter. Criteria: DASA Assertion Criteria. Collection method: clinical testing. Allele origin: germline.
Comment: NM_000256.3(MYBPC3):c.1624G>C (p.Glu542Gln) is a missense variant that results in the substitution of glutamic acid with glutamine. Segregation evidence has been reported in affected families. Functional evidence supports a deleterious effect on the gene or gene product (PMID: 25031304; PMID: 9631872; PMID: 15519027; PMID: 16199542; PMID: 18533079). This variant has been recurrently observed in individuals with related phenotype (PMID: 25031304; PMID: 9631872; PMID: 15519027; PMID: 16199542; PMID: 18533079). The variant is present at low frequency in population datasets. Based on the available data, this variant is classified as pathogenic.

Ambry Genetics
Classification: Pathogenic for Cardiovascular phenotype. Last evaluated: 2025-10-01. Review status: criteria provided, single submitter. Criteria: Ambry Variant Classification Scheme 2023. Collection method: clinical testing. Allele origin: germline.
Comment: The c.1624G>C (p.E542Q) alteration is located in exon 17 (coding exon 17) of the MYBPC3 gene. This alteration results from a G to C substitution at nucleotide position 1624, causing the glutamic acid (E) at amino acid position 542 to be replaced by a glutamine (Q). This change occurs in the last base pair of coding exon 17, which makes it likely to have some effect on normal mRNA splicing. Based on data from gnomAD, the C allele has an overall frequency of 0.002% (5/262678) total alleles studied. The highest observed frequency was 0.004% (5/119550) of European (non-Finnish) alleles. This variant was identified in one or more individuals with features consistent with hypertrophic cardiomyopathy and segregated with disease in at least one family (Carrier, 1997; Garc&iacute;a-Castro, 2009; Rodr&iacute;guez-Garc&iacute;a, 2010; Ross, 2017). This variant was also reported in families who also had a second mutation in MYBPC3 and presented with severe HCM or sudden death (Saltzman, 2010; Rafael, 2017). This nucleotide position is highly conserved in available vertebrate species. This amino acid position is highly conserved in available vertebrate species. RNA studies have demonstrated that this alteration results in abnormal splicing resulting in exon 17 skipping and leading to a premature stop codon (Carrier, 1997; Marston, 2012; Singer, 2019). In silico splice site analysis predicts that this alteration will not have any significant effect on splicing. In addition, as a missense substitution this is predicted to be deleterious by in silico analysis. Based on the available evidence, this alteration is classified as pathogenic.

Molecular Diagnostic Laboratory for Inherited Cardiovascular Disease, Montreal Heart Institute
Classification: Pathogenic for Cardiovascular phenotype. Last evaluated: 2025-03-20. Review status: criteria provided, single submitter. Criteria: ACMG Guidelines, 2015. Collection method: clinical testing. Allele origin: germline. Affected: yes.
Comment: PVS1, PS4, PM2, PP1_mod, PS3_supp

Women's Health and Genetics/Laboratory Corporation of America, LabCorp
Classification: Pathogenic for Primary familial hypertrophic cardiomyopathy. Last evaluated: 2025-03-04. Review status: criteria provided, single submitter. Criteria: LabCorp Variant Classification Summary - May 2015. Collection method: clinical testing. Allele origin: germline.
Comment: Variant summary: MYBPC3 c.1624G>C (p.Glu542Gln) results in a conservative amino acid change in the encoded protein sequence. Two of three in-silico tools predict a damaging effect of the variant on protein function. 5/5 splice prediction tools predict the complete loss or reduction in cannonical splice donor site. Functional studies have confirmed that this variant causes the skipping of exon 17 and truncated protein product (Carrier_1997, Marston_2012, Helms_2014). The variant allele was found at a frequency of 1.3e-05 in 232004 control chromosomes. The variant has been reported in numerous affected individuals in the literature, including family members in which the variant segregated with disease. ClinVar contains an entry for this variant (Variation ID: 8608). Based on the evidence outlined above, the variant was classified as pathogenic.